The following is an entry in ClinVar:

ClinVar aggregate classification (germline): Conflicting classifications of pathogenicity. Review status: criteria provided, conflicting classifications (1 of 4 stars). 5 submissions from 5 submitters: Uncertain significance (3); Likely benign (1). 1 of the submissions does not count toward it. Last evaluated 2026-10-02.

Conditions:
Autosomal recessive nonsyndromic hearing loss 23. Identifiers: Orphanet 90636, MedGen C1836027, MONDO:0012293, OMIM 609533.
Usher syndrome type 1D (USH1D). Also called: USHER SYNDROME, TYPE ID. Identifiers: Orphanet 231169, Orphanet 886, MedGen C1832845, MONDO:0010984, OMIM 601067.
Usher syndrome type 1F (USH1F). Also called: USHER SYNDROME, TYPE IF. Identifiers: Orphanet 231169, Orphanet 886, MedGen C1865885, MONDO:0011186, OMIM 602083.
PCDH15-related disorder. Also called: PCDH15-related disorders; PCDH15-related condition.

Allele frequency attached by ClinVar (database versions not stated): TOPMed 0.00015; 1000 Genomes Project 30x 0.00016; 1000 Genomes Project 0.00020.
gnomAD v4.1: 131 of 1,613,978 alleles (0.0081%); highest among the groups gnomAD compares: East Asian, 0.16%; 1 homozygote.

Submissions (5):

GeneDx
Classification: Uncertain significance. Last evaluated: 2026-10-02. Review status: criteria provided, single submitter. Criteria: GeneDx Variant Classification Process June 2021. Collection method: clinical testing. Allele origin: germline.
Comment: Identified in published literature with a second PCDH15 variant in a patient with hearing loss who had additional neurodevelopmental features proposed to be due to co-occuring variants in a different gene (PMID: 24965255); In silico analysis supports that this missense variant has a deleterious effect on protein structure/function; This variant is associated with the following publications: (PMID: 27058588, 34426522, 35114279, 24965255)

PreventionGenetics, part of Exact Sciences
Classification: Uncertain significance for PCDH15-related condition. Last evaluated: 2026-07-14. Review status: criteria provided, single submitter. Criteria: ACMG Guidelines, 2015. Collection method: clinical testing. Allele origin: germline.
Comment: The PCDH15 c.1195A>C variant is predicted to result in the amino acid substitution p.Ser399Arg. This variant was reported together with another PCDH15 variant in an individual with hearing loss, microcephaly, early-onset seizures & developmental delay, this patient however had also two variants in PNKP gene (Nakashima et al. 2014. PubMed ID: 24965255). This variant is reported in 0.23% of alleles in individuals of East Asian descent in gnomAD, which is higher than expected for causative variant. Although we suspect that this variant may be benign, at this time, the clinical significance of this variant is uncertain due to the absence of conclusive functional and genetic evidence.

Labcorp Genetics (formerly Invitae), Labcorp
Classification: Likely benign. Last evaluated: 2026-01-28. Review status: criteria provided, single submitter. Criteria: Invitae Variant Classification Sherloc (09022015). Collection method: clinical testing. Allele origin: germline.

Juno Genomics, Hangzhou Juno Genomics, Inc
Classification: Uncertain significance for Autosomal recessive nonsyndromic hearing loss 23; Usher syndrome type 1D; Usher syndrome type 1F. Review status: criteria provided, single submitter. Criteria: ACMG Guidelines, 2015. Collection method: clinical testing. Allele origin: germline.
Comment: Absent from controls (or at extremely low frequency if recessive) in Genome Aggregation Database.;Multiple lines of computational evidence support a deleterious effect on the gene or gene product.

Natera, Inc.
Classification: Benign for Usher syndrome type 1F. Last evaluated: 2020-01-15. Review status: no assertion criteria provided. Collection method: clinical testing. Allele origin: germline. Not counted in ClinVar's aggregate classification.

NM_001384140.1(PCDH15):c.1195A>C (p.Ser399Arg)

Gene: PCDH15 (protocadherin related 15; minus strand). Cytogenetic location: 10q21.1.
Variant type: single nucleotide variant.
Coding change: c.1195A>C on transcript NM_001384140.1 (MANE Select); coding-DNA position 1195, A replaced by C.
Protein change: p.Ser399Arg; replaces serine 399 with arginine.
Molecular consequence: missense variant.
Genome position (GRCh38, 1-based): chr10:54,195,793, T>G on the plus strand (A>C on the coding strand, the complement: PCDH15 is on the minus strand). VCF-style: chr10-54195793-T-G. GRCh37 (hg19) VCF-style: chr10-55955553-T-G.
Other names: c.1210A>C, p.Ser404Arg (NM_001142763.2, NM_001142769.4, NM_001142771.2); c.1195A>C, p.Ser399Arg (NM_001142764.2, NM_001142765.2, NM_001142766.2 and 7 more transcripts); c.1084A>C, p.Ser362Arg (NM_001142767.2); c.1129A>C, p.Ser377Arg (NM_001142768.2, NM_001142773.2, NM_001354404.2); short protein forms S362R, S404R, S377R, S399R.
Identifiers: ClinVar variation 759404 (VCV000759404.20), dbSNP rs199786639, ClinGen allele CA5506467.